The following is an entry in ClinVar:

ClinVar aggregate classification (germline): Uncertain significance. Review status: criteria provided, multiple submitters, no conflicts (2 of 4 stars). 7 submissions from 7 submitters: Uncertain significance (5). 2 of the submissions do not count toward it. Last evaluated 2024-02-09.

Conditions:
Inborn genetic diseases. Identifiers: MedGen C0950123, MeSH D030342.
Meckel syndrome, type 5 (MKS5). Identifiers: Orphanet 564, MedGen C1969052, MONDO:0012695, OMIM 611561.
Joubert syndrome 7 (JBTS7). Identifiers: Orphanet 220497, MedGen C1969053, MONDO:0012694, OMIM 611560.
COACH syndrome 3. Identifiers: MedGen C5436841, MONDO:0030862, OMIM 619113.
Joubert syndrome. Also called: Familial aplasia of the vermis; JOUBERT-BOLTSHAUSER SYNDROME. Identifiers: Orphanet 475, MedGen C5979921, MONDO:0018772.
RPGRIP1L-related disorder. Also called: RPGRIP1L-related disorders; RPGRIP1L-related condition. Identifiers: MedGen CN239416.
Meckel-Gruber syndrome. Also called: Dysencephalia splachnocystica; DYSENCEPHALIA SPLANCHNOCYSTICA; GRUBER SYNDROME. Identifiers: Orphanet 564, MedGen C0265215, MONDO:0018921.

Allele frequency attached by ClinVar (database versions not stated): gnomAD 0.00003; TOPMed 0.00003; ExAC 0.00007; ESP Exome Variant Server 0.00008; 1000 Genomes Project 30x 0.00016; 1000 Genomes Project 0.00020.
gnomAD v4.1: 154 of 1,606,920 alleles (0.0096%); highest among the groups gnomAD compares: Non-Finnish European, 0.012%; no homozygotes.

Submissions (7):

GeneDx
Classification: Uncertain significance. Last evaluated: 2024-02-09. Review status: criteria provided, single submitter. Criteria: GeneDx Variant Classification Process June 2021. Collection method: clinical testing. Allele origin: germline. Affected: yes.
Comment: Not observed at significant frequency in large population cohorts (gnomAD); In silico analysis supports that this missense variant does not alter protein structure/function; Has not been previously published as pathogenic or benign to our knowledge

Ambry Genetics
Classification: Uncertain significance for Inborn genetic diseases. Last evaluated: 2023-08-08. Review status: criteria provided, single submitter. Criteria: Ambry Variant Classification Scheme 2023. Collection method: clinical testing. Allele origin: germline.

Labcorp Genetics (formerly Invitae), Labcorp
Classification: Uncertain significance for Joubert syndrome; Meckel-Gruber syndrome. Last evaluated: 2022-10-04. Review status: criteria provided, single submitter. Criteria: Invitae Variant Classification Sherloc (09022015). Collection method: clinical testing. Allele origin: germline.
Comment: This sequence change replaces serine, which is neutral and polar, with alanine, which is neutral and non-polar, at codon 494 of the RPGRIP1L protein (p.Ser494Ala). This variant is present in population databases (rs202201818, gnomAD 0.01%). This variant has not been reported in the literature in individuals affected with RPGRIP1L-related conditions. ClinVar contains an entry for this variant (Variation ID: 424528). Advanced modeling of protein sequence and biophysical properties (such as structural, functional, and spatial information, amino acid conservation, physicochemical variation, residue mobility, and thermodynamic stability) performed at Invitae indicates that this missense variant is not expected to disrupt RPGRIP1L protein function. In summary, the available evidence is currently insufficient to determine the role of this variant in disease. Therefore, it has been classified as a Variant of Uncertain Significance.

Fulgent Genetics
Classification: Uncertain significance for Joubert syndrome 7; Meckel syndrome, type 5; COACH syndrome 3. Last evaluated: 2022-03-05. Review status: criteria provided, single submitter. Criteria: ACMG Guidelines, 2015. Collection method: clinical testing. Allele origin: unknown.

Revvity Omics, Revvity
Classification: Uncertain significance. Last evaluated: 2021-06-13. Review status: criteria provided, single submitter. Criteria: ACMG Guidelines, 2015. Collection method: clinical testing. Allele origin: germline.

PreventionGenetics, part of Exact Sciences
Classification: Uncertain significance for RPGRIP1L-related condition. Last evaluated: 2024-01-30. Review status: no assertion criteria provided. Collection method: clinical testing. Allele origin: germline. Not counted in ClinVar's aggregate classification.
Comment: The RPGRIP1L c.1480T>G variant is predicted to result in the amino acid substitution p.Ser494Ala. To our knowledge, this variant has not been reported in the literature. This variant is reported in 0.015% of alleles in individuals of Latino descent in gnomAD. At this time, the clinical significance of this variant is uncertain due to the absence of conclusive functional and genetic evidence.

Natera, Inc.
Classification: Uncertain significance for Joubert syndrome. Last evaluated: 2020-10-08. Review status: no assertion criteria provided. Collection method: clinical testing. Allele origin: germline. Not counted in ClinVar's aggregate classification.

NM_015272.5(RPGRIP1L):c.1480T>G (p.Ser494Ala)

Gene: RPGRIP1L (RPGRIP1 like; minus strand). Cytogenetic location: 16q12.2.
Variant type: single nucleotide variant.
Coding change: c.1480T>G on transcript NM_015272.5 (MANE Select); coding-DNA position 1480, T replaced by G.
Protein change: p.Ser494Ala; replaces serine 494 with alanine.
Molecular consequence: missense variant.
Genome position (GRCh38, 1-based): chr16:53,657,554, A>C on the plus strand (T>G on the coding strand, the complement: RPGRIP1L is on the minus strand). VCF-style: chr16-53657554-A-C. GRCh37 (hg19) VCF-style: chr16-53691466-A-C.
Other names: c.1480T>G (NM_015272.4); c.1480T>G, p.Ser494Ala (NM_001127897.4, NM_001308334.3, NM_001330538.2); short protein forms S494A.
Identifiers: ClinVar variation 424528 (VCV000424528.15), dbSNP rs202201818, ClinGen allele CA8057786.
Genomic context (GRCh38, chr16:53,657,554, plus strand): 5'-TTCTTGTCTTTTCCAGCTCTTGCACCGTTTCTGCATGAGTTGCTTGCAGCTCTCTCATAG[A>C]GCGTTCTAGATCTTTATTAATTTCACTATCTACTTTCACTAAAAAGGAAAGGTCTCCATT-3'
Protein context (NP_056087.2, residues 484-504): DSEINKDLER[Ser494Ala]MRELQATHAE